The following is an entry in ClinVar:

NM_015599.3(PGM3):c.591+6A>G

Gene: PGM3 (phosphoglucomutase 3; minus strand). Cytogenetic location: 6q14.1.
Variant type: single nucleotide variant.
Coding change: c.591+6A>G on transcript NM_015599.3 (MANE Select); 6 bases into the intron after coding-DNA position 591, A replaced by G.
Molecular consequence: intron variant.
Genome position (GRCh38, 1-based): chr6:83,182,839, T>C on the plus strand (A>G on the coding strand, the complement: PGM3 is on the minus strand). VCF-style: chr6-83182839-T-C. GRCh37 (hg19) VCF-style: chr6-83892558-T-C.
Other names: c.675+6A>G (NM_001199917.2, NM_001367287.1); c.348+6A>G (NM_001199918.2); c.591+6A>G (NM_001367286.1, NM_001199919.2).
Identifiers: ClinVar variation 4774285 (VCV004774285.1).
Genomic context (GRCh38, chr6:83,182,839, plus strand): 5'-TTGTTCAGTAGACCATGTTACTTTATTCATTTGTTTAACTTTAACCATGTTCAATAAACT[T>C]TTCACCTGTTTGGTGAGTTCCACAAAAGCCTTAGAGAGTTTCTGGTAGTAACCTTCTATA-3'

ClinVar aggregate classification (germline): Uncertain significance (1 of 4 stars; one submission).

Conditions:
Immunodeficiency 23 (IMD23). Also called: IMMUNODEFICIENCY WITH HYPER IgE AND COGNITIVE IMPAIRMENT; IMMUNODEFICIENCY-VASCULITIS-MYOCLONUS SYNDROME. Identifiers: Orphanet 443811, MedGen C4014371, MONDO:0014353, OMIM 615816.

Submission:

Labcorp Genetics (formerly Invitae), Labcorp
Classification: Uncertain significance for Immunodeficiency 23. Last evaluated: 2025-05-19. Review status: criteria provided, single submitter. Criteria: Invitae Variant Classification Sherloc (09022015). Collection method: clinical testing. Allele origin: germline.
Comment: This sequence change falls in intron 6 of the PGM3 gene. It does not directly change the encoded amino acid sequence of the PGM3 protein. It affects a nucleotide within the consensus splice site. This variant is present in population databases (no rsID available, gnomAD 0.007%). This variant has not been reported in the literature in individuals affected with PGM3-related conditions. Variants that disrupt the consensus splice site are a relatively common cause of aberrant splicing (PMID: 17576681, 9536098). Algorithms developed to predict the effect of sequence changes on RNA splicing suggest that this variant is not likely to affect RNA splicing. In summary, the available evidence is currently insufficient to determine the role of this variant in disease. Therefore, it has been classified as a Variant of Uncertain Significance.

Literature cited by the submitters: PubMed 17576681; PubMed 9536098.